The following is an entry in ClinVar:

NM_014974.3(DIP2C):c.2397_2398dup (p.Ser800fs)

Genes: DIP2C (DIP2 acetate--CoA ligase C (putative); minus strand), LOC126860806 (MED14-independent group 3 enhancer GRCh37_chr10:409736-410935; plus strand). Cytogenetic location: 10p15.3.
Variant type: Duplication.
Coding change: c.2397_2398dup on transcript NM_014974.3 (MANE Select); coding-DNA positions 2397 to 2398, 2 bases duplicated (CA; older notation c.2397_2398dupCA).
Protein change: p.Ser800fs; shifts the reading frame from serine 800.
Molecular consequence: frameshift variant.
Genome position (GRCh38, 1-based): chr10:364,453-364,454, TG duplicated on the plus strand (CA on the coding strand, the reverse complement: DIP2C is on the minus strand). VCF-style (leftmost placement, unchanged base first): chr10-364452-C-CTG. GRCh37 (hg19) VCF-style: chr10-410392-C-CTG.
Other names: short protein forms S800fs.
Identifiers: ClinVar variation 2862727 (VCV002862727.3), dbSNP rs2540664011, ClinGen allele CA2739265268.
Genomic context (GRCh38, chr10:364,452, plus strand): 5'-TTCATGGGTTCTACGGCCAGCGCAGTGGCCACGATGTCGTCGGCGTTGTGCCTGCGCCCG[C>CTG]TGACCACCATGAGGCCATCCATCTTGCCCACCACGAAGACGAGGCCTCCGGGACCCACGA-3'

ClinVar aggregate classification (germline): Pathogenic (1 of 4 stars; one submission).

Submission:

Labcorp Genetics (formerly Invitae), Labcorp
Classification: Pathogenic. Last evaluated: 2024-11-06. Review status: criteria provided, single submitter. Criteria: Invitae Variant Classification Sherloc (09022015). Collection method: clinical testing. Allele origin: germline.
Comment: This sequence change creates a premature translational stop signal (p.Ser800Thrfs*18) in the DIP2C gene. It is expected to result in an absent or disrupted protein product. Loss-of-function variants in DIP2C are known to be pathogenic (PMID: 38421105). This variant is not present in population databases (gnomAD no frequency). This variant has not been reported in the literature in individuals affected with DIP2C-related conditions. ClinVar contains an entry for this variant (Variation ID: 2862727). For these reasons, this variant has been classified as Pathogenic.

Literature cited by the submitters: PubMed 38421105.